The following is an entry in ClinVar:

ClinVar aggregate classification (germline): Uncertain significance (1 of 4 stars; one submission).

Allele frequency attached by ClinVar (database versions not stated): ExAC 0.00001; gnomAD 0.00001; gnomAD exomes below 0.00001; TOPMed 0.00001.

Submission:

GeneDx
Classification: Uncertain significance. Last evaluated: 2025-05-15. Review status: criteria provided, single submitter. Criteria: GeneDx Variant Classification Process June 2021. Collection method: clinical testing. Allele origin: germline. Affected: yes.
Comment: Not observed at significant frequency in large population cohorts (gnomAD); In silico analysis supports that this missense variant has a deleterious effect on protein structure/function; Has not been previously published as pathogenic or benign to our knowledge; Also known as V1465D

NM_000384.3(APOB):c.4475T>A (p.Val1492Asp)

Gene: APOB (apolipoprotein B; minus strand). Cytogenetic location: 2p24.1.
Variant type: single nucleotide variant.
Coding change: c.4475T>A on transcript NM_000384.3 (MANE Select); coding-DNA position 4475, T replaced by A.
Protein change: p.Val1492Asp; replaces valine 1492 with aspartic acid.
Molecular consequence: missense variant.
Genome position (GRCh38, 1-based): chr2:21,012,393, A>T on the plus strand (T>A on the coding strand, the complement: APOB is on the minus strand). VCF-style: chr2-21012393-A-T. GRCh37 (hg19) VCF-style: chr2-21235265-A-T.
Other names: short protein forms V1492D.
Identifiers: ClinVar variation 4529581 (VCV004529581.1), dbSNP rs755579983.